The following is an entry in ClinVar:

ClinVar aggregate classification (germline): Conflicting classifications of pathogenicity. Review status: criteria provided, conflicting classifications (1 of 4 stars). 3 submissions from 3 submitters: Uncertain significance (2); Likely benign (1). Last evaluated 2025-11-11.

Conditions:
Megaconial type congenital muscular dystrophy (MDCMC). Also called: MUSCULAR DYSTROPHY, CONGENITAL, WITH MITOCHONDRIAL STRUCTURAL ABNORMALITIES; CHKB-Related Muscle Diseases; CHKB-Related Muscular Dystrophy. Identifiers: Orphanet 280671, MedGen C1865233, MONDO:0011246, OMIM 602541.

Allele frequency attached by ClinVar (database versions not stated): gnomAD 0.00007 and 0.00008; TOPMed 0.00007; ExAC 0.00010; gnomAD exomes 0.00011; ESP Exome Variant Server 0.00031.

Submissions (3):

Labcorp Genetics (formerly Invitae), Labcorp
Classification: Likely benign for Megaconial type congenital muscular dystrophy. Last evaluated: 2025-11-11. Review status: criteria provided, single submitter. Criteria: Invitae Variant Classification Sherloc (09022015). Collection method: clinical testing. Allele origin: germline.

GeneDx
Classification: Uncertain significance. Last evaluated: 2024-07-08. Review status: criteria provided, single submitter. Criteria: GeneDx Variant Classification Process June 2021. Collection method: clinical testing. Allele origin: germline. Affected: yes.
Comment: See Variant Classification Assertion Criteria.

Illumina Laboratory Services, Illumina
Classification: Uncertain significance for Megaconial type congenital muscular dystrophy. Last evaluated: 2018-01-12. Review status: criteria provided, single submitter. Criteria: ICSL Variant Classification Criteria 13 December 2019. Collection method: clinical testing. Allele origin: germline.

NM_005198.5(CHKB):c.708C>T (p.Val236=)

Genes: CHKB-CPT1B (CHKB-CPT1B readthrough (NMD candidate); minus strand), CHKB (choline kinase beta; minus strand). Cytogenetic location: 22q13.33.
Variant type: single nucleotide variant.
Coding change: c.708C>T on transcript NM_005198.5 (MANE Select); coding-DNA position 708, C replaced by T.
Protein change: p.Val236=; no amino-acid change (valine 236 retained).
Molecular consequence: synonymous variant. On other transcripts: non-coding transcript variant (1).
Genome position (GRCh38, 1-based): chr22:50,580,386, G>A on the plus strand (C>T on the coding strand, the complement: CHKB is on the minus strand). VCF-style: chr22-50580386-G-A. GRCh37 (hg19) VCF-style: chr22-51018815-G-A.
Identifiers: ClinVar variation 342173 (VCV000342173.17), dbSNP rs141934594, ClinGen allele CA10323671.